The following is an entry in ClinVar:

ClinVar aggregate classification (germline): Pathogenic. Review status: criteria provided, multiple submitters, no conflicts (2 of 4 stars). 3 submissions from 3 submitters: Pathogenic (3). Last evaluated 2025-04-24.

Conditions:
Mucopolysaccharidosis, MPS-IV-A (MPS4A). Also called: Mucopolysaccharidosis Type IVA; MPS IVA; MORQUIO A DISEASE; Mucopolysaccharidosis type IV A; GALACTOSAMINE-6-SULFATASE DEFICIENCY; GALNS DEFICIENCY. Identifiers: Orphanet 309297, Orphanet 582, MedGen C0086651, MONDO:0009659, OMIM 253000.

Allele frequency attached by ClinVar (database versions not stated): gnomAD exomes below 0.00001; TOPMed 0.00002.
gnomAD v4.1: 1 of 1,612,380 alleles (0.000062%); highest among the groups gnomAD compares: Non-Finnish European, 0.000085%; no homozygotes.

Submissions (3):

Labcorp Genetics (formerly Invitae), Labcorp
Classification: Pathogenic for Mucopolysaccharidosis, MPS-IV-A. Last evaluated: 2025-04-24. Review status: criteria provided, single submitter. Criteria: Invitae Variant Classification Sherloc (09022015). Collection method: clinical testing. Allele origin: germline.
Comment: This sequence change affects a donor splice site in intron 10 of the GALNS gene. It is expected to disrupt RNA splicing. Variants that disrupt the donor or acceptor splice site typically lead to a loss of protein function (PMID: 16199547), and loss-of-function variants in GALNS are known to be pathogenic (PMID: 12442278). This variant is not present in population databases (gnomAD no frequency). Disruption of this splice site has been observed in individuals with MPS IVA (PMID: 25252036; internal data). ClinVar contains an entry for this variant (Variation ID: 938197). Algorithms developed to predict the effect of sequence changes on RNA splicing suggest that this variant may disrupt the consensus splice site. For these reasons, this variant has been classified as Pathogenic.

Genome-Nilou Lab
Classification: Pathogenic for Mucopolysaccharidosis, MPS-IV-A. Last evaluated: 2021-11-07. Review status: criteria provided, single submitter. Criteria: ACMG Guidelines, 2015. Collection method: clinical testing. Allele origin: germline. Affected: no.

Laboratory of Diagnosis and Therapy of Lysosomal Disorders, University of Padova
Classification: Pathogenic for Mucopolysaccharidosis, MPS-IV-A. Last evaluated: 2021-02-01. Review status: criteria provided, single submitter. Criteria: ACMG Guidelines, 2015. Collection method: research. Allele origin: germline. Affected: yes.
Comment: Splicing variant in canonical site (PVS1_very strong); in vivo functional studies supportive of a damaging effect on the gene product (low to null enzymatic activity in homozygotes; PS3_strong); absent from gnomAD v2.1.1 (PM2_moderate)

Literature cited by the submitters: PubMed 16199547 (cited by Labcorp Genetics (formerly Invitae), Labcorp); PubMed 12442278 (cited by Labcorp Genetics (formerly Invitae), Labcorp); PubMed 25252036 (cited by Labcorp Genetics (formerly Invitae), Labcorp and Laboratory of Diagnosis and Therapy of Lysosomal Disorders, University of Padova); PubMed 34387910 (cited by Laboratory of Diagnosis and Therapy of Lysosomal Disorders, University of Padova).

NM_000512.5(GALNS):c.1139+1G>A

Gene: GALNS (galactosamine (N-acetyl)-6-sulfatase; minus strand). Cytogenetic location: 16q24.3.
Variant type: single nucleotide variant.
Coding change: c.1139+1G>A on transcript NM_000512.5 (MANE Select); the canonical splice donor site of the intron after coding-DNA position 1139, G replaced by A.
Molecular consequence: splice donor variant.
Genome position (GRCh38, 1-based): chr16:88,826,701, C>T on the plus strand (G>A on the coding strand, the complement: GALNS is on the minus strand). VCF-style: chr16-88826701-C-T. GRCh37 (hg19) VCF-style: chr16-88893109-C-T.
Other names: c.584+1G>A (NM_001323543.2); c.1157+1G>A (NM_001323544.2).
Identifiers: ClinVar variation 938197 (VCV000938197.16), dbSNP rs765608680, ClinGen allele CA286451288.